The following is an entry in ClinVar:

NM_001377540.1(SLMAP):c.1873G>C (p.Glu625Gln)

Gene: SLMAP (sarcolemma associated protein; plus strand). Cytogenetic location: 3p14.3.
Variant type: single nucleotide variant.
Coding change: c.1873G>C on transcript NM_001377540.1 (MANE Select); coding-DNA position 1873, G replaced by C.
Protein change: p.Glu625Gln; replaces glutamic acid 625 with glutamine.
Molecular consequence: missense variant. On other transcripts: non-coding transcript variant (1).
Genome position (GRCh38, 1-based): chr3:57,912,554, G>C. VCF-style: chr3-57912554-G-C. GRCh37 (hg19) VCF-style: chr3-57898281-G-C.
Other names: c.1822G>C, p.Glu608Gln (NM_001304420.3, NM_001377541.1, NM_001377542.1); c.1708G>C, p.Glu570Gln (NM_001304421.2, NM_001377557.1, NM_001377559.1); c.424G>C, p.Glu142Gln (NM_001304422.3, NM_001311178.2); c.226G>C, p.Glu76Gln (NM_001304423.3); c.301G>C, p.Glu101Gln (NM_001311179.2, NM_001377926.1, NM_001377927.1 and 1 more transcripts); c.1894G>C, p.Glu632Gln (NM_001377538.1); c.1873G>C, p.Glu625Gln (NM_001377539.1); c.1810G>C, p.Glu604Gln (NM_001377545.1); and 8 more; short protein forms E591Q, E101Q, E567Q, E604Q, E632Q, E142Q, E546Q, E563Q.
Identifiers: ClinVar variation 4712143 (VCV004712143.1).

ClinVar aggregate classification (germline): Uncertain significance (1 of 4 stars; one submission).

Conditions:
Brugada syndrome. Also called: Sudden unexpected nocturnal death syndrome; Sudden unexplained nocturnal death syndrome; Sudden Unexplained Death Syndrome; Sudden Unexplained Nocturnal Death Syndrome (SUNDS). Identifiers: Orphanet 130, MedGen C1142166, MONDO:0015263.

Submission:

Labcorp Genetics (formerly Invitae), Labcorp
Classification: Uncertain significance for Brugada syndrome. Last evaluated: 2025-02-02. Review status: criteria provided, single submitter. Criteria: Invitae Variant Classification Sherloc (09022015). Collection method: clinical testing. Allele origin: germline.
Comment: This sequence change replaces glutamic acid, which is acidic and polar, with glutamine, which is neutral and polar, at codon 591 of the SLMAP protein (p.Glu591Gln). This variant is not present in population databases (gnomAD no frequency). This variant has not been reported in the literature in individuals affected with SLMAP-related conditions. An algorithm developed to predict the effect of missense changes on protein structure and function (PolyPhen-2) suggests that this variant is likely to be disruptive. In summary, the available evidence is currently insufficient to determine the role of this variant in disease. Therefore, it has been classified as a Variant of Uncertain Significance.